The following is an entry in ClinVar:

NM_001145809.2(MYH14):c.1483-10G>A

Gene: MYH14 (myosin heavy chain 14; plus strand). Cytogenetic location: 19q13.33.
Variant type: single nucleotide variant.
Coding change: c.1483-10G>A on transcript NM_001145809.2 (MANE Select); 10 bases into the intron before coding-DNA position 1483, G replaced by A.
Molecular consequence: intron variant.
Genome position (GRCh38, 1-based): chr19:50,249,640, G>A. VCF-style: chr19-50249640-G-A. GRCh37 (hg19) VCF-style: chr19-50752897-G-A.
Other names: p.?; c.1483-10G>A (NM_001077186.2); c.1459-10G>A (NM_024729.4).
Identifiers: ClinVar variation 44049 (VCV000044049.18), dbSNP rs73061136, ClinGen allele CA133463.

ClinVar aggregate classification (germline): Benign. Review status: criteria provided, multiple submitters, no conflicts (2 of 4 stars). 7 submissions from 7 submitters: Benign (7). Last evaluated 2026-02-01.

Conditions:
Autosomal dominant nonsyndromic hearing loss 4A. Also called: Deafness, autosomal dominant 4A. Identifiers: Orphanet 90635, MedGen C1833503, MONDO:0010915, OMIM 600652.

Allele frequency attached by ClinVar (database versions not stated): ESP Exome Variant Server 0.06520; 1000 Genomes Project 0.06589; gnomAD exomes 0.06712 and 0.08426; 1000 Genomes Project 30x 0.06761; TOPMed 0.07491; ExAC 0.07852; gnomAD 0.08966 and 0.09105.
gnomAD v4.1: 107,339 of 1,556,084 alleles (6.9%); highest among the groups gnomAD compares: Admixed American, 20%; 4,604 homozygotes.

Submissions (7):

Labcorp Genetics (formerly Invitae), Labcorp
Classification: Benign. Last evaluated: 2026-02-01. Review status: criteria provided, single submitter. Criteria: Invitae Variant Classification Sherloc (09022015). Collection method: clinical testing. Allele origin: germline.

Mayo Clinic Laboratories, Mayo Clinic
Classification: Benign. Last evaluated: 2022-05-09. Review status: criteria provided, single submitter. Criteria: ACMG Guidelines, 2015. Collection method: clinical testing. Allele origin: germline. Observed: 185 variant alleles.

Illumina Laboratory Services, Illumina
Classification: Benign for Autosomal dominant nonsyndromic hearing loss 4A. Last evaluated: 2018-01-13. Review status: criteria provided, single submitter. Criteria: ICSL Variant Classification Criteria 13 December 2019. Collection method: clinical testing. Allele origin: germline.
Comment: This variant was observed in the ICSL laboratory as part of a predisposition screen in an ostensibly healthy population. It had not been previously curated by ICSL or reported in the Human Gene Mutation Database (HGMD: prior to June 1st, 2018), and was therefore a candidate for classification through an automated scoring system. Utilizing variant allele frequency, disease prevalence and penetrance estimates, and inheritance mode, an automated score was calculated to assess if this variant is too frequent to cause the disease. Based on the score and internal cut-off values, a variant classified as benign is not then subjected to further curation. The score for this variant resulted in a classification of benign for this disease.

GeneDx
Classification: Benign. Last evaluated: 2017-08-25. Review status: criteria provided, single submitter. Criteria: GeneDx Variant Classification (06012015). Collection method: clinical testing. Allele origin: germline. Affected: yes.
Comment: This variant is considered likely benign or benign based on one or more of the following criteria: it is a conservative change, it occurs at a poorly conserved position in the protein, it is predicted to be benign by multiple in silico algorithms, and/or has population frequency not consistent with disease.

Laboratory for Molecular Medicine, Mass General Brigham Personalized Medicine
Classification: Benign. Last evaluated: 2012-04-30. Review status: criteria provided, single submitter. Criteria: LMM Criteria. Collection method: clinical testing. Allele origin: germline. Observed: 215 variant alleles.
Comment: 1483-10G>A in Intron 13 of MYH14: This variant is not expected to have clinical significance because it has been identified in 7.3% (272/3738) of African Americ an chromosomes from a broad population by the NHLBI Exome Sequencing Project (dbSNP rs73061136).

Breakthrough Genomics
Classification: Benign. Review status: criteria provided, single submitter. Criteria: ACMG Guidelines, 2015. Collection method: not provided. Allele origin: germline. Inheritance: Autosomal dominant inheritance. Affected: yes.

PreventionGenetics, part of Exact Sciences
Classification: Benign. Review status: criteria provided, single submitter. Criteria: ACMG Guidelines, 2015. Collection method: clinical testing. Allele origin: germline.